The following is an entry in ClinVar:

ClinVar aggregate classification (germline): Uncertain significance (1 of 4 stars; one submission).

Conditions:
Severe combined immunodeficiency due to DCLRE1C deficiency (RS-SCID). Also called: SCID, AUTOSOMAL RECESSIVE, T CELL-NEGATIVE, B CELL-NEGATIVE, NK CELL-POSITIVE, WITH SENSITIVITY TO IONIZING RADIATION. Identifiers: Orphanet 275, MedGen C1865371, MONDO:0011225, OMIM 602450.

Submission:

Labcorp Genetics (formerly Invitae), Labcorp
Classification: Uncertain significance for Severe combined immunodeficiency with sensitivity to ionizing radiation. Last evaluated: 2018-12-26. Review status: criteria provided, single submitter. Criteria: Invitae Variant Classification Sherloc (09022015). Collection method: clinical testing. Allele origin: germline.
Comment: This variant is a gross duplication of the genomic region encompassing exons 1-3 of the DCLRE1C gene. The 5' end of this event is unknown as it extends beyond the assayed region for this gene and therefore may encompass additional genes. The 3' boundary is likely confined to intron 3 of the DCLRE1C gene. The exact location of this variant in the genome is unknown. This variant has not been reported in the literature in individuals with DCLRE1C-related disease. Experimental studies and prediction algorithms are not available for this variant, and the functional significance of this duplication is currently unknown. In summary, the available evidence is currently insufficient to determine the role of this variant in disease. Therefore, it has been classified as a Variant of Uncertain Significance.

NC_000010.10:g.(?_14987084)_(14996029_?)dup

Gene: DCLRE1C (DNA cross-link repair 1C; minus strand). Cytogenetic location: 10p13.
Variant type: Duplication.
Identifiers: ClinVar variation 468480 (VCV000468480.2).